The following is an entry in ClinVar:

NM_001943.5(DSG2):c.2458G>A (p.Glu820Lys)

Genes: DSG2 (desmoglein 2; plus strand), DSG2-AS1 (DSG2 antisense RNA 1; minus strand). Cytogenetic location: 18q12.1.
Variant type: single nucleotide variant.
Coding change: c.2458G>A on transcript NM_001943.5 (MANE Select); coding-DNA position 2458, G replaced by A.
Protein change: p.Glu820Lys; replaces glutamic acid 820 with lysine.
Molecular consequence: missense variant. On other transcripts: non-coding transcript variant (1).
Genome position (GRCh38, 1-based): chr18:31,545,844, G>A. VCF-style: chr18-31545844-G-A. GRCh37 (hg19) VCF-style: chr18-29125807-G-A.
Other names: short protein forms E820K.
Identifiers: ClinVar variation 5017418 (VCV005017418.1).

ClinVar aggregate classification (germline): Uncertain significance (1 of 4 stars; one submission).

Submission:

GeneDx
Classification: Uncertain significance. Last evaluated: 2026-03-24. Review status: criteria provided, single submitter. Criteria: GeneDx Variant Classification Process June 2021. Collection method: clinical testing. Allele origin: germline.
Comment: Not observed at significant frequency in large population cohorts (gnomAD); In silico analysis supports that this missense variant has a deleterious effect on protein structure/function; Has not been previously published as pathogenic or benign to our knowledge